The following is an entry in ClinVar:

ClinVar aggregate classification (germline): Uncertain significance (1 of 4 stars; one submission).

Submission:

Labcorp Genetics (formerly Invitae), Labcorp
Classification: Uncertain significance. Last evaluated: 2022-04-28. Review status: criteria provided, single submitter. Criteria: Invitae Variant Classification Sherloc (09022015). Collection method: clinical testing. Allele origin: germline.
Comment: In summary, the available evidence is currently insufficient to determine the role of this variant in disease. Therefore, it has been classified as a Variant of Uncertain Significance. Variants that disrupt the consensus splice site are a relatively common cause of aberrant splicing (PMID: 17576681, 9536098). Algorithms developed to predict the effect of sequence changes on RNA splicing suggest that this variant is not likely to affect RNA splicing. This variant has not been reported in the literature in individuals affected with USP9X-related conditions. This variant is not present in population databases (gnomAD no frequency). This sequence change falls in intron 40 of the USP9X gene. It does not directly change the encoded amino acid sequence of the USP9X protein. It affects a nucleotide within the consensus splice site.

Literature cited by the submitters: PubMed 17576681; PubMed 9536098.

NM_001039591.3(USP9X):c.6973-3T>C

Gene: USP9X (ubiquitin specific peptidase 9 X-linked; plus strand). Cytogenetic location: Xp11.4.
Variant type: single nucleotide variant.
Coding change: c.6973-3T>C on transcript NM_001039591.3 (MANE Select); 3 bases into the intron before coding-DNA position 6973, T replaced by C.
Molecular consequence: intron variant.
Genome position (GRCh38, 1-based): chrX:41,225,046, T>C. VCF-style: chrX-41225046-T-C. GRCh37 (hg19) VCF-style: chrX-41084299-T-C.
Other names: c.6973-3T>C (NM_001039590.3).
Identifiers: ClinVar variation 2131580 (VCV002131580.4), dbSNP rs2519400614, ClinGen allele CA2580101016.